The following is an entry in ClinVar:

NM_005902.4(SMAD3):c.145G>T (p.Asp49Tyr)

Gene: SMAD3 (SMAD family member 3; plus strand). Cytogenetic location: 15q22.33.
Variant type: single nucleotide variant.
Coding change: c.145G>T on transcript NM_005902.4 (MANE Select); coding-DNA position 145, G replaced by T.
Protein change: p.Asp49Tyr; replaces aspartic acid 49 with tyrosine.
Molecular consequence: missense variant.
Genome position (GRCh38, 1-based): chr15:67,066,299, G>T. VCF-style: chr15-67066299-G-T. GRCh37 (hg19) VCF-style: chr15-67358637-G-T.
Other names: short protein forms D49Y.
Identifiers: ClinVar variation 926137 (VCV000926137.5), dbSNP rs1959914506, ClinGen allele CA393202992.

ClinVar aggregate classification (germline): Uncertain significance (1 of 4 stars; one submission).

Conditions:
Familial thoracic aortic aneurysm and aortic dissection (TAAD). Also called: Thoracic aortic aneurysms and dissections. Identifiers: Orphanet 91387, MedGen C4707243, MONDO:0019625.

Submission:

Color Diagnostics, LLC DBA Color Health
Classification: Uncertain significance for Familial thoracic aortic aneurysm and aortic dissection. Last evaluated: 2023-12-05. Review status: criteria provided, single submitter. Criteria: ACMG Guidelines, 2015. Collection method: clinical testing. Allele origin: germline.
Comment: This missense variant replaces aspartic acid with tyrosine at codon 49 of the SMAD3 protein. Computational prediction tools and conservation analyses suggest that this variant may have deleterious impact on the protein function. Computational splicing tools suggest that this variant may not impact RNA splicing. To our knowledge, functional assays have not been performed for this variant nor has this variant been reported in individuals affected with cardiovascular disorders in the literature. This variant has not been identified in the general population by the Genome Aggregation Database (gnomAD). Available evidence is insufficient to determine the role of this variant in disease conclusively. Therefore, this variant is classified as a Variant of Uncertain Significance.